The following is an entry in ClinVar:

NM_004036.5(ADCY3):c.1006A>G (p.Ser336Gly)

Gene: ADCY3 (adenylate cyclase 3; minus strand). Cytogenetic location: 2p23.3.
Variant type: single nucleotide variant.
Coding change: c.1006A>G on transcript NM_004036.5 (MANE Select); coding-DNA position 1006, A replaced by G.
Protein change: p.Ser336Gly; replaces serine 336 with glycine.
Molecular consequence: missense variant.
Genome position (GRCh38, 1-based): chr2:24,841,618, T>C on the plus strand (A>G on the coding strand, the complement: ADCY3 is on the minus strand). VCF-style: chr2-24841618-T-C. GRCh37 (hg19) VCF-style: chr2-25064487-T-C.
Other names: c.1006A>G, p.Ser336Gly (NM_001320613.2, NM_001377128.1, NM_001377129.1 and 2 more transcripts); c.283A>G, p.Ser95Gly (NM_001377131.1); short protein forms S95G, S336G.
Identifiers: ClinVar variation 4992383 (VCV004992383.1).
Genomic context (GRCh38, chr2:24,841,618, plus strand): 5'-CTGCCAGCTTGTCAAAGCGGGCAAAGAGCTCGTTGAGCAGCTTCACAAGCTCCTGGGCAC[T>C]GCAGGCAGAAGACAGCTGGGTAAAGCCCACGATGTCGGCAAAGAGGATGCTGCATGAGGA-3'
Protein context (NP_004027.2, residues 326-346): VGFTQLSSAC[Ser336Gly]AQELVKLLNE

ClinVar aggregate classification (germline): Uncertain significance (1 of 4 stars; one submission).

Conditions:
ADCY3-related disorder. Also called: ADCY3-related condition.

Submission:

PreventionGenetics, part of Exact Sciences
Classification: Uncertain significance for ADCY3-related condition. Last evaluated: 2026-01-21. Review status: criteria provided, single submitter. Criteria: ACMG Guidelines, 2015. Collection method: clinical testing. Allele origin: germline.
Comment: The ADCY3 c.1006A>G variant is predicted to result in the amino acid substitution p.Ser336Gly. To our knowledge, this variant has not been reported in the literature or in a large population database (gnomAD), indicating this variant is rare. At this time, the clinical significance of this variant is uncertain due to the absence of conclusive functional and genetic evidence.